The following is an entry in ClinVar:

NM_004281.4(BAG3):c.550T>C (p.Ser184Pro)

Gene: BAG3 (BAG cochaperone 3; plus strand). Cytogenetic location: 10q26.11.
Variant type: single nucleotide variant.
Coding change: c.550T>C on transcript NM_004281.4 (MANE Select); coding-DNA position 550, T replaced by C.
Protein change: p.Ser184Pro; replaces serine 184 with proline.
Molecular consequence: missense variant.
Genome position (GRCh38, 1-based): chr10:119,672,297, T>C. VCF-style: chr10-119672297-T-C. GRCh37 (hg19) VCF-style: chr10-121431809-T-C.
Other names: short protein forms S184P.
Identifiers: ClinVar variation 3758327 (VCV003758327.2).

ClinVar aggregate classification (germline): Uncertain significance (1 of 4 stars; one submission).

Conditions:
Dilated cardiomyopathy 1HH (CMD1HH). Identifiers: Orphanet 154, MedGen C3151293, MONDO:0013479, OMIM 613881.
Myofibrillar myopathy 6. Identifiers: Orphanet 199340, MedGen C2751831, MONDO:0013061, OMIM 612954.

gnomAD v4.1: 1 of 1,613,894 alleles (0.000062%); highest among the groups gnomAD compares: Non-Finnish European, 0.000085%; no homozygotes.

Submission:

Labcorp Genetics (formerly Invitae), Labcorp
Classification: Uncertain significance for Dilated cardiomyopathy 1HH; Myofibrillar myopathy 6. Last evaluated: 2024-09-14. Review status: criteria provided, single submitter. Criteria: Invitae Variant Classification Sherloc (09022015). Collection method: clinical testing. Allele origin: germline.
Comment: This sequence change replaces serine, which is neutral and polar, with proline, which is neutral and non-polar, at codon 184 of the BAG3 protein (p.Ser184Pro). This variant is not present in population databases (gnomAD no frequency). This variant has not been reported in the literature in individuals affected with BAG3-related conditions. Invitae Evidence Modeling of protein sequence and biophysical properties (such as structural, functional, and spatial information, amino acid conservation, physicochemical variation, residue mobility, and thermodynamic stability) indicates that this missense variant is not expected to disrupt BAG3 protein function with a negative predictive value of 80%. In summary, the available evidence is currently insufficient to determine the role of this variant in disease. Therefore, it has been classified as a Variant of Uncertain Significance.